The following is an entry in ClinVar:

NM_001378452.1(ITPR1):c.182G>C (p.Cys61Ser)

Gene: ITPR1 (inositol 1,4,5-trisphosphate receptor type 1; plus strand). Cytogenetic location: 3p26.1.
Variant type: single nucleotide variant.
Coding change: c.182G>C on transcript NM_001378452.1 (MANE Select); coding-DNA position 182, G replaced by C.
Protein change: p.Cys61Ser; replaces cysteine 61 with serine.
Molecular consequence: missense variant.
Genome position (GRCh38, 1-based): chr3:4,627,781, G>C. VCF-style: chr3-4627781-G-C. GRCh37 (hg19) VCF-style: chr3-4669465-G-C.
Other names: c.182G>C, p.Cys61Ser (NM_001099952.4, NM_001168272.2, NM_002222.7); short protein forms C61S.
Identifiers: ClinVar variation 586041 (VCV000586041.4), dbSNP rs1559566851, ClinGen allele CA351630588.

ClinVar aggregate classification (germline): Uncertain significance. Review status: criteria provided, multiple submitters, no conflicts (2 of 4 stars). 2 submissions from 2 submitters: Uncertain significance (2). Last evaluated 2024-11-05.

Submissions (2):

Labcorp Genetics (formerly Invitae), Labcorp
Classification: Uncertain significance. Last evaluated: 2024-11-05. Review status: criteria provided, single submitter. Criteria: Invitae Variant Classification Sherloc (09022015). Collection method: clinical testing. Allele origin: germline.
Comment: This sequence change replaces cysteine, which is neutral and slightly polar, with serine, which is neutral and polar, at codon 61 of the ITPR1 protein (p.Cys61Ser). This variant is not present in population databases (gnomAD no frequency). This variant has not been reported in the literature in individuals affected with ITPR1-related conditions. ClinVar contains an entry for this variant (Variation ID: 586041). Invitae Evidence Modeling of protein sequence and biophysical properties (such as structural, functional, and spatial information, amino acid conservation, physicochemical variation, residue mobility, and thermodynamic stability) indicates that this missense variant is expected to disrupt ITPR1 protein function with a positive predictive value of 95%. In summary, the available evidence is currently insufficient to determine the role of this variant in disease. Therefore, it has been classified as a Variant of Uncertain Significance.

Athena Diagnostics
Classification: Uncertain significance. Last evaluated: 2018-10-29. Review status: criteria provided, single submitter. Criteria: Athena Diagnostics Criteria. Collection method: clinical testing. Allele origin: germline.